The following is an entry in ClinVar:

NM_000392.5(ABCC2):c.4430C>T (p.Thr1477Met)

Gene: ABCC2 (ATP binding cassette subfamily C member 2; plus strand). Cytogenetic location: 10q24.2.
Variant type: single nucleotide variant.
Coding change: c.4430C>T on transcript NM_000392.5 (MANE Select); coding-DNA position 4430, C replaced by T.
Protein change: p.Thr1477Met; replaces threonine 1477 with methionine.
Molecular consequence: missense variant.
Genome position (GRCh38, 1-based): chr10:99,850,718, C>T. VCF-style: chr10-99850718-C-T. GRCh37 (hg19) VCF-style: chr10-101610475-C-T.
Other names: p.Thr1477Met; c.4430C>T (NM_000392.4); c.4430C>T, p.Thr1477Met (LRG_1208t1); short protein forms T1477M.
Identifiers: ClinVar variation 282962 (VCV000282962.44), dbSNP rs142573385, ClinGen allele CA5644132.

ClinVar aggregate classification (germline): Conflicting classifications of pathogenicity. Review status: criteria provided, conflicting classifications (1 of 4 stars). 8 submissions from 8 submitters: Uncertain significance (4); Likely benign (4). Last evaluated 2026-09-01.

Conditions:
ABCC2-related disorder. Also called: ABCC2-related condition.
Dubin-Johnson syndrome (DJS). Also called: Jaundice, Chronic Idiopathic; HYPERBILIRUBINEMIA, DUBIN-JOHNSON TYPE; Hyperbilirubinemia type 2. Identifiers: Orphanet 234, MedGen C0022350, MONDO:0009380, OMIM 237500.

Allele frequency attached by ClinVar (database versions not stated): 1000 Genomes Project 0.00040; 1000 Genomes Project 30x 0.00047; ExAC 0.00114; gnomAD exomes 0.00121 and 0.00146; gnomAD 0.00129 and 0.00173; ESP Exome Variant Server 0.00154; TOPMed 0.00159.
gnomAD v4.1: 2,377 of 1,614,166 alleles (0.15%); highest among the groups gnomAD compares: Middle Eastern, 0.16%; 8 homozygotes.

Submissions (8):

CeGaT Center for Human Genetics Tuebingen
Classification: Likely benign. Last evaluated: 2026-09-01. Review status: criteria provided, single submitter. Criteria: CeGaT Center For Human Genetics Tuebingen Variant Classification Criteria Version 2. Collection method: clinical testing. Allele origin: germline. Affected: yes. Observed: 3 variant alleles.
Comment: ABCC2: BP4

Labcorp Genetics (formerly Invitae), Labcorp
Classification: Likely benign. Last evaluated: 2026-02-04. Review status: criteria provided, single submitter. Criteria: Invitae Variant Classification Sherloc (09022015). Collection method: clinical testing. Allele origin: germline.

PreventionGenetics, part of Exact Sciences
Classification: Likely benign for ABCC2-related condition. Last evaluated: 2025-12-17. Review status: criteria provided, single submitter. Criteria: ACMG Guidelines, 2015. Collection method: clinical testing. Allele origin: germline.
Comment: This variant is classified as likely benign based on ACMG/AMP sequence variant interpretation guidelines (Richards et al. 2015 PMID: 25741868, with internal and published modifications).

Blueprint Genetics
Classification: Likely benign. Last evaluated: 2024-10-24. Review status: criteria provided, single submitter. Criteria: ACMG Guidelines, 2015. Collection method: clinical testing. Allele origin: germline.

Fulgent Genetics
Classification: Uncertain significance for Dubin-Johnson syndrome. Last evaluated: 2022-03-07. Review status: criteria provided, single submitter. Criteria: ACMG Guidelines, 2015. Collection method: clinical testing. Allele origin: unknown.

Mayo Clinic Laboratories, Mayo Clinic
Classification: Uncertain significance. Last evaluated: 2021-07-16. Review status: criteria provided, single submitter. Criteria: ACMG Guidelines, 2015. Collection method: clinical testing. Allele origin: germline.

Eurofins Ntd Llc (ga)
Classification: Uncertain significance. Last evaluated: 2018-07-25. Review status: criteria provided, single submitter. Criteria: EGL ClinVar v180209 classification definitions. Collection method: clinical testing. Allele origin: germline. Observed: 8 variant alleles, 8 heterozygotes.

Illumina Laboratory Services, Illumina
Classification: Uncertain significance for Dubin-Johnson syndrome. Last evaluated: 2017-04-27. Review status: criteria provided, single submitter. Criteria: ICSL Variant Classification Criteria 13 December 2019. Collection method: clinical testing. Allele origin: germline.
Comment: This variant was observed as part of a predisposition screen in an ostensibly healthy population. A literature search was performed for the gene, cDNA change, and amino acid change (where applicable). Publications were found based on this search. However, the evidence from the literature, in combination with allele frequency data from public databases where available, was not sufficient to rule this variant in or out of causing disease. Therefore, this variant is classified as a variant of unknown significance.

Literature cited by the submitters: PubMed 21691255 (cited by Illumina Laboratory Services, Illumina).